The following is an entry in ClinVar:

ClinVar aggregate classification (germline): Conflicting classifications of pathogenicity. Review status: criteria provided, conflicting classifications (1 of 4 stars). 6 submissions from 6 submitters: Pathogenic (1); Likely pathogenic (4); Uncertain significance (1). Last evaluated 2026-08-28.

Conditions:
PKD2-related disorder. Also called: PKD2-related condition.
Autosomal dominant polycystic kidney disease. Identifiers: Orphanet 730, MedGen C0085413, MONDO:0004691.
Polycystic kidney disease 2 (PKD2). Also called: Polycystic Kidney Disease 2, Autosomal Dominant; POLYCYSTIC KIDNEY DISEASE, ADULT, TYPE II; POLYCYSTIC KIDNEY DISEASE 2 WITH OR WITHOUT POLYCYSTIC LIVER DISEASE. Identifiers: MedGen C2751306, MONDO:0013131, OMIM 613095.

Submissions (6):

PreventionGenetics, part of Exact Sciences
Classification: Pathogenic for PKD2-related condition. Last evaluated: 2026-08-28. Review status: criteria provided, single submitter. Criteria: ACMG Guidelines, 2015. Collection method: clinical testing. Allele origin: germline.
Comment: The PKD2 c.843G>A variant is not predicted to result in an amino acid change (p.=). This change occurs at the last base of exon 3 and is predicted to significantly weaken the splicing donor site signal by splicing prediction programs (Alamut Visual Plus version v1.13; SpliceAI, Jaganathan et al. 2019. PubMed ID: 30661751). This variant has been reported in an individual with polycystic kidney disease (Suppl. Table S4, Carrera et al. 2016. PubMed ID: 27499327). In addition, this variant has been previously found in multiple patients tested for polycystic kidney disease at PreventionGenetics (internal data). This variant has not been reported in a large population database (gnomAD), indicating this variant is rare. This variant is interpreted as pathogenic.

Labcorp Genetics (formerly Invitae), Labcorp
Classification: Uncertain significance for Autosomal dominant polycystic kidney disease. Last evaluated: 2024-09-21. Review status: criteria provided, single submitter. Criteria: Invitae Variant Classification Sherloc (09022015). Collection method: clinical testing. Allele origin: germline.
Comment: This sequence change affects codon 281 of the PKD2 mRNA. It is a 'silent' change, meaning that it does not change the encoded amino acid sequence of the PKD2 protein. This variant also falls at the last nucleotide of exon 3, which is part of the consensus splice site for this exon. This variant is not present in population databases (gnomAD no frequency). This variant has been observed in individual(s) with polycystic kidney disease (PMID: 27499327). ClinVar contains an entry for this variant (Variation ID: 1486479). Variants that disrupt the consensus splice site are a relatively common cause of aberrant splicing (PMID: 17576681, 9536098). Algorithms developed to predict the effect of sequence changes on RNA splicing suggest that this variant may disrupt the consensus splice site. In summary, the available evidence is currently insufficient to determine the role of this variant in disease. Therefore, it has been classified as a Variant of Uncertain Significance.

Mayo Clinic Laboratories, Mayo Clinic
Classification: Likely pathogenic. Last evaluated: 2024-05-08. Review status: criteria provided, single submitter. Criteria: ACMG Guidelines, 2015. Collection method: clinical testing. Allele origin: germline. Observed: 1 variant allele.
Comment: PP3, PM2, PS4_moderate

Athena Diagnostics
Classification: Likely pathogenic. Last evaluated: 2024-03-12. Review status: criteria provided, single submitter. Criteria: Athena Diagnostics Criteria. Collection method: clinical testing. Allele origin: unknown.
Comment: This variant has been identified in multiple unrelated individuals with clinical features associated with this gene. This variant has not been reported in large, multi-ethnic general populations. Computational tools yielded predictions that this variant may interfere with normal RNA splicing.

Fulgent Genetics
Classification: Likely pathogenic for Polycystic kidney disease 2. Last evaluated: 2024-02-10. Review status: criteria provided, single submitter. Criteria: ACMG Guidelines, 2015. Collection method: clinical testing. Allele origin: germline.

GeneDx
Classification: Likely pathogenic. Last evaluated: 2023-06-06. Review status: criteria provided, single submitter. Criteria: GeneDx Variant Classification Process June 2021. Collection method: clinical testing. Allele origin: germline.
Comment: Alters the last nucleotide of the exon and is predicted to destroy the splice donor site and result in aberrant splicing, although in the absence of functional evidence the actual effect of this sequence change is unknown; Not observed in large population cohorts (gnomAD); This variant is associated with the following publications: (PMID: 27499327)

Literature cited by the submitters: PubMed 27499327 (cited by 3 submitters); PubMed 17576681 (cited by Labcorp Genetics (formerly Invitae), Labcorp); PubMed 9536098 (cited by Labcorp Genetics (formerly Invitae), Labcorp); PubMed 37353797 (cited by Athena Diagnostics).

NM_000297.4(PKD2):c.843G>A (p.Lys281=)

Gene: PKD2 (polycystin 2, transient receptor potential cation channel; plus strand). Cytogenetic location: 4q22.1.
Variant type: single nucleotide variant.
Coding change: c.843G>A on transcript NM_000297.4 (MANE Select); coding-DNA position 843, G replaced by A.
Protein change: p.Lys281=; no amino-acid change (lysine 281 retained).
Molecular consequence: synonymous variant. On other transcripts: non-coding transcript variant (1).
Genome position (GRCh38, 1-based): chr4:88,036,353, G>A. VCF-style: chr4-88036353-G-A. GRCh37 (hg19) VCF-style: chr4-88957505-G-A.
Other names: p.Lys281=.
Identifiers: ClinVar variation 1486479 (VCV001486479.15), dbSNP rs1727333486, ClinGen allele CA440269264.